The following is an entry in ClinVar:

ClinVar aggregate classification (germline): Benign (1 of 4 stars; one submission).

Allele frequency attached by ClinVar (database versions not stated): ESP Exome Variant Server 0.66269; gnomAD 0.66828; TOPMed 0.67915; 1000 Genomes Project 0.68610; 1000 Genomes Project 30x 0.68738; ExAC 0.64470.
gnomAD v4.1: 986,652 of 1,608,076 alleles (61%); highest among the groups gnomAD compares: African/African-American, 81%; 306,360 homozygotes.

Submission:

Unidad de Genómica Garrahan, Hospital de Pediatría Garrahan
Classification: Benign. Last evaluated: 2024-01-24. Review status: criteria provided, single submitter. Criteria: ACMG Guidelines, 2015. Collection method: clinical testing. Allele origin: germline. Affected: no. Observed: 82 variant alleles.
Comment: This variant is classified as Benign based on local population frequency. This variant was detected in 86% of patients studied by a panel of primary immunodeficiencies. Number of patients: 82. Only high quality variants are reported.

NM_000625.4(NOS2):c.864+22A>G

Gene: NOS2 (nitric oxide synthase 2; minus strand). Cytogenetic location: 17q11.2.
Variant type: single nucleotide variant.
Coding change: c.864+22A>G on transcript NM_000625.4 (MANE Select); 22 bases into the intron after coding-DNA position 864, A replaced by G.
Molecular consequence: intron variant.
Genome position (GRCh38, 1-based): chr17:27,781,014, T>C on the plus strand (A>G on the coding strand, the complement: NOS2 is on the minus strand). VCF-style: chr17-27781014-T-C. GRCh37 (hg19) VCF-style: chr17-26108040-T-C.
Identifiers: ClinVar variation 2687960 (VCV002687960.2), dbSNP rs2297520, ClinGen allele CA8454920.